The following is an entry in ClinVar:

ClinVar aggregate classification (germline): Uncertain significance (1 of 4 stars; one submission).

Conditions:
Fanconi anemia complementation group J. Also called: BRIP1-Related Fanconi Anemia. Identifiers: Orphanet 84, MedGen C1836860, MONDO:0012187, OMIM 609054.
Familial cancer of breast. Also called: BREAST CANCER, FAMILIAL; hereditary breast carcinoma; Hereditary breast cancer. Identifiers: Orphanet 227535, MedGen C0346153, MONDO:0016419, OMIM 114480. Disease mechanism: loss of function.

Submission:

Labcorp Genetics (formerly Invitae), Labcorp
Classification: Uncertain significance for Familial cancer of breast; Fanconi anemia complementation group J. Last evaluated: 2025-09-27. Review status: criteria provided, single submitter. Criteria: Invitae Variant Classification Sherloc (09022015). Collection method: clinical testing. Allele origin: germline.
Comment: This sequence change replaces histidine, which is basic and polar, with proline, which is neutral and non-polar, at codon 213 of the BRIP1 protein (p.His213Pro). This variant is not present in population databases (gnomAD no frequency). This variant has not been reported in the literature in individuals affected with BRIP1-related conditions. ClinVar contains an entry for this variant (Variation ID: 572683). Invitae Evidence Modeling of protein sequence and biophysical properties (such as structural, functional, and spatial information, amino acid conservation, physicochemical variation, residue mobility, and thermodynamic stability) indicates that this missense variant is not expected to disrupt BRIP1 protein function with a negative predictive value of 95%. In summary, the available evidence is currently insufficient to determine the role of this variant in disease. Therefore, it has been classified as a Variant of Uncertain Significance.

NM_032043.3(BRIP1):c.638A>C (p.His213Pro)

Gene: BRIP1 (BRCA1 interacting DNA helicase 1; minus strand). Cytogenetic location: 17q23.2.
Variant type: single nucleotide variant.
Coding change: c.638A>C on transcript NM_032043.3 (MANE Select); coding-DNA position 638, A replaced by C.
Protein change: p.His213Pro; replaces histidine 213 with proline.
Molecular consequence: missense variant.
Genome position (GRCh38, 1-based): chr17:61,808,747, T>G on the plus strand (A>C on the coding strand, the complement: BRIP1 is on the minus strand). VCF-style: chr17-61808747-T-G. GRCh37 (hg19) VCF-style: chr17-59886108-T-G.
Other names: short protein forms H213P.
Identifiers: ClinVar variation 572683 (VCV000572683.9), dbSNP rs376760085, ClinGen allele CA400485232.